The following is an entry in ClinVar:

NM_000136.3(FANCC):c.685C>G (p.Leu229Val)

Genes: FANCC (FA complementation group C; minus strand), AOPEP (aminopeptidase O (putative); plus strand). Cytogenetic location: 9q22.32.
Variant type: single nucleotide variant.
Coding change: c.685C>G on transcript NM_000136.3 (MANE Select); coding-DNA position 685, C replaced by G.
Protein change: p.Leu229Val; replaces leucine 229 with valine.
Molecular consequence: missense variant.
Genome position (GRCh38, 1-based): chr9:95,149,924, G>C on the plus strand (C>G on the coding strand, the complement: FANCC is on the minus strand). VCF-style: chr9-95149924-G-C. GRCh37 (hg19) VCF-style: chr9-97912206-G-C.
Other names: c.685C>G, p.Leu229Val (NM_001243743.2, NM_001243744.2); short protein forms L229V.
Identifiers: ClinVar variation 1755825 (VCV001755825.2), dbSNP rs2135426093, ClinGen allele CA374109511.
Genomic context (GRCh38, chr9:95,149,924, plus strand): 5'-CACAGCCTTCTAAGAAAAGGAAAAACGACGCAGGATGACAGGAAACATTTGCCACTTACA[G>C]CAAAATGGCCTCGTTTACAGCCTCAAAGAACTCTGGCTGGAGGATTTCCTGAGGTTCACG-3'
Protein context (NP_000127.2, residues 219-239): FFEAVNEAIL[Leu229Val]KKISLPMSAV

ClinVar aggregate classification (germline): Uncertain significance (1 of 4 stars; one submission).

Conditions:
Hereditary cancer-predisposing syndrome. Also called: Neoplastic Syndromes, Hereditary; Tumor predisposition; Hereditary Cancer Syndrome; Hereditary neoplastic syndrome. Identifiers: Orphanet 140162, MedGen C0027672, MeSH D009386, MONDO:0015356.

Submission:

Ambry Genetics
Classification: Uncertain significance for Hereditary cancer-predisposing syndrome. Last evaluated: 2021-11-01. Review status: criteria provided, single submitter. Criteria: Ambry Variant Classification Scheme 2023. Collection method: clinical testing. Allele origin: germline.
Comment: The p.L229V variant (also known as c.685C>G), located in coding exon 6 of the FANCC gene, results from a C to G substitution at nucleotide position 685. The leucine at codon 229 is replaced by valine, an amino acid with highly similar properties. This amino acid position is conserved. In addition, this alteration is predicted to be tolerated by in silico analysis. Since supporting evidence is limited at this time, the clinical significance of this alteration remains unclear.